The following is an entry in ClinVar:

ClinVar aggregate classification (germline): Uncertain significance (1 of 4 stars; one submission).

Conditions:
Hyper-IgE recurrent infection syndrome 1, autosomal dominant. Also called: STAT3 Hyper IgE Syndrome; Hyper-IgE recurrent infection syndrome 1; JOB SYNDROME; Job's Syndrome; HYPER-IgE SYNDROME 1, AUTOSOMAL DOMINANT, WITH RECURRENT INFECTIONS. Identifiers: Orphanet 2314, MedGen C2936739, MONDO:0007818, OMIM 147060.
STAT3 gain of function. Identifiers: MedGen C4288261.

Submission:

Labcorp Genetics (formerly Invitae), Labcorp
Classification: Uncertain significance for STAT3 gain of function; Hyper-IgE recurrent infection syndrome 1, autosomal dominant. Last evaluated: 2024-10-22. Review status: criteria provided, single submitter. Criteria: Invitae Variant Classification Sherloc (09022015). Collection method: clinical testing. Allele origin: germline.
Comment: This sequence change replaces isoleucine, which is neutral and non-polar, with valine, which is neutral and non-polar, at codon 298 of the STAT3 protein (p.Ile298Val). This variant is not present in population databases (gnomAD no frequency). This variant has not been reported in the literature in individuals affected with STAT3-related conditions. Invitae Evidence Modeling of protein sequence and biophysical properties (such as structural, functional, and spatial information, amino acid conservation, physicochemical variation, residue mobility, and thermodynamic stability) indicates that this missense variant is not expected to disrupt STAT3 protein function with a negative predictive value of 80%. In summary, the available evidence is currently insufficient to determine the role of this variant in disease. Therefore, it has been classified as a Variant of Uncertain Significance.

NM_139276.3(STAT3):c.892A>G (p.Ile298Val)

Gene: STAT3 (signal transducer and activator of transcription 3; minus strand). Cytogenetic location: 17q21.2.
Variant type: single nucleotide variant.
Coding change: c.892A>G on transcript NM_139276.3 (MANE Select); coding-DNA position 892, A replaced by G.
Protein change: p.Ile298Val; replaces isoleucine 298 with valine.
Molecular consequence: missense variant.
Genome position (GRCh38, 1-based): chr17:42,333,955, T>C on the plus strand (A>G on the coding strand, the complement: STAT3 is on the minus strand). VCF-style: chr17-42333955-T-C. GRCh37 (hg19) VCF-style: chr17-40485973-T-C.
Other names: c.892A>G, p.Ile298Val (NM_001369512.1, NM_001369513.1, NM_001369514.1 and 15 more transcripts); c.814A>G, p.Ile272Val (NM_001384985.1); c.796A>G, p.Ile266Val (NM_001384989.1); short protein forms I266V, I272V, I298V.
Identifiers: ClinVar variation 3760563 (VCV003760563.2).